The following is an entry in ClinVar:

ClinVar aggregate classification (germline): Uncertain significance (1 of 4 stars; one submission).

Submission:

Ambry Genetics
Classification: Uncertain significance. Last evaluated: 2024-10-11. Review status: criteria provided, single submitter. Criteria: Ambry Variant Classification Scheme 2023. Collection method: clinical testing. Allele origin: germline.
Comment: The p.E141A variant (also known as c.422A>C), located in coding exon 1 of the EGLN1 gene, results from an A to C substitution at nucleotide position 422. The glutamic acid at codon 141 is replaced by alanine, an amino acid with dissimilar properties. This amino acid position is conserved. In addition, this alteration is predicted to be tolerated by in silico analysis. Based on the available evidence, the clinical significance of this variant remains unclear.

NM_022051.3(EGLN1):c.422A>C (p.Glu141Ala)

Gene: EGLN1 (egl-9 family hypoxia inducible factor 1; minus strand). Cytogenetic location: 1q42.2.
Variant type: single nucleotide variant.
Coding change: c.422A>C on transcript NM_022051.3 (MANE Select); coding-DNA position 422, A replaced by C.
Protein change: p.Glu141Ala; replaces glutamic acid 141 with alanine.
Molecular consequence: missense variant.
Genome position (GRCh38, 1-based): chr1:231,421,467, T>G on the plus strand (A>C on the coding strand, the complement: EGLN1 is on the minus strand). VCF-style: chr1-231421467-T-G. GRCh37 (hg19) VCF-style: chr1-231557213-T-G.
Other names: c.422A>C, p.Glu141Ala (NM_001377260.1, NM_001377261.1); short protein forms E141A.
Identifiers: ClinVar variation 2397741 (VCV002397741.3), dbSNP rs2102947628, ClinGen allele CA345237121.
Genomic context (GRCh38, chr1:231,421,467, plus strand): 5'-TTCGCCTTCTCCTGGAACAGCGATGAGCGGGCCGGCGGCTCCTCCTTGCCGGGCTCGGCT[T>G]CGGCAGCCACCGCCGAGCCCTGGCCGCCGGCGGCCGCACGACACGGCGACGCGGCCGCCG-3'
Protein context (NP_071334.1, residues 131-151): AGGQGSAVAA[Glu141Ala]AEPGKEEPPA